The following is an entry in ClinVar:

ClinVar aggregate classification (germline): Conflicting classifications of pathogenicity. Review status: criteria provided, conflicting classifications (1 of 4 stars). 11 submissions from 11 submitters: Uncertain significance (1); Benign (2); Likely benign (5). 3 of the submissions do not count toward it. Last evaluated 2026-05-01.

Conditions:
Autoinflammatory syndrome. Identifiers: Orphanet 93665, MedGen C3890737, MONDO:0019751.
Lysinuric protein intolerance (LPI). Identifiers: Orphanet 470, MedGen C0268647, MONDO:0009109, OMIM 222700.

Allele frequency attached by ClinVar (database versions not stated): gnomAD 0.00259 and 0.00274; 1000 Genomes Project 0.00319; TOPMed 0.00322; 1000 Genomes Project 30x 0.00375; gnomAD exomes 0.00026 and 0.00070; ExAC 0.00088; ESP Exome Variant Server 0.00231.
gnomAD v4.1: 807 of 1,614,198 alleles (0.05%); highest among the groups gnomAD compares: African/African-American, 0.86%; 2 homozygotes.

Submissions (11):

CeGaT Center for Human Genetics Tuebingen
Classification: Likely benign. Last evaluated: 2026-05-01. Review status: criteria provided, single submitter. Criteria: CeGaT Center For Human Genetics Tuebingen Variant Classification Criteria Version 2. Collection method: clinical testing. Allele origin: germline. Affected: yes. Observed: 3 variant alleles.
Comment: SLC7A7: BP4, BP7

Labcorp Genetics (formerly Invitae), Labcorp
Classification: Benign for Lysinuric protein intolerance. Last evaluated: 2026-01-22. Review status: criteria provided, single submitter. Criteria: Invitae Variant Classification Sherloc (09022015). Collection method: clinical testing. Allele origin: germline.

Mayo Clinic Laboratories, Mayo Clinic
Classification: Likely benign. Last evaluated: 2024-12-19. Review status: criteria provided, single submitter. Criteria: ACMG Guidelines, 2015. Collection method: clinical testing. Allele origin: germline. Observed: 2 variant alleles.
Comment: BA1

Blueprint Genetics
Classification: Likely benign. Last evaluated: 2024-11-25. Review status: criteria provided, single submitter. Criteria: ACMG Guidelines, 2015. Collection method: clinical testing. Allele origin: germline.

Genome Diagnostics Laboratory, The Hospital for Sick Children
Classification: Uncertain significance for Autoinflammatory syndrome. Last evaluated: 2021-12-06. Review status: criteria provided, single submitter. Criteria: ACMG Guidelines, 2015. Collection method: clinical testing. Allele origin: germline. Affected: yes.

Genome-Nilou Lab
Classification: Benign for Lysinuric protein intolerance. Last evaluated: 2021-11-07. Review status: criteria provided, single submitter. Criteria: ACMG Guidelines, 2015. Collection method: clinical testing. Allele origin: germline. Affected: no.

GeneDx
Classification: Likely benign. Last evaluated: 2018-04-23. Review status: criteria provided, single submitter. Criteria: GeneDx Variant Classification Process June 2021. Collection method: clinical testing. Allele origin: germline. Affected: yes.

Illumina Laboratory Services, Illumina
Classification: Likely benign for Lysinuric protein intolerance. Last evaluated: 2018-01-13. Review status: criteria provided, single submitter. Criteria: ICSL Variant Classification Criteria 13 December 2019. Collection method: clinical testing. Allele origin: germline.
Comment: This variant was observed in the ICSL laboratory as part of a predisposition screen in an ostensibly healthy population. It had not been previously curated by ICSL or reported in the Human Gene Mutation Database (HGMD: prior to June 1st, 2018), and was therefore a candidate for classification through an automated scoring system. Utilizing variant allele frequency, disease prevalence and penetrance estimates, and inheritance mode, an automated score was calculated to assess if this variant is too frequent to cause the disease. Based on the score and internal cut-off values, a variant classified as likely benign is not then subjected to further curation. The score for this variant resulted in a classification of likely benign for this disease.

Natera, Inc.
Classification: Likely benign for Lysinuric protein intolerance. Last evaluated: 2020-04-03. Review status: no assertion criteria provided. Collection method: clinical testing. Allele origin: germline. Not counted in ClinVar's aggregate classification.

Clinical Genetics DNA and cytogenetics Diagnostics Lab, Erasmus MC, Erasmus Medical Center
Classification: Likely benign. Review status: no assertion criteria provided. Collection method: clinical testing. Allele origin: germline. Affected: yes. Study: VKGL Data-share Consensus. Not counted in ClinVar's aggregate classification.

Genome Diagnostics Laboratory, University Medical Center Utrecht
Classification: Likely benign. Review status: no assertion criteria provided. Collection method: clinical testing. Allele origin: germline. Affected: yes. Study: VKGL Data-share Consensus. Not counted in ClinVar's aggregate classification.

NM_003982.4(SLC7A7):c.720A>C (p.Ser240=)

Gene: SLC7A7 (solute carrier family 7 member 7; minus strand). Cytogenetic location: 14q11.2.
Variant type: single nucleotide variant.
Coding change: c.720A>C on transcript NM_003982.4 (MANE Select); coding-DNA position 720, A replaced by C.
Protein change: p.Ser240=; no amino-acid change (serine 240 retained).
Molecular consequence: synonymous variant.
Genome position (GRCh38, 1-based): chr14:22,778,843, T>G on the plus strand (A>C on the coding strand, the complement: SLC7A7 is on the minus strand). VCF-style: chr14-22778843-T-G. GRCh37 (hg19) VCF-style: chr14-23248052-T-G.
Other names: p.Ser240=; c.720A>C, p.Ser240= (NM_001126105.3, NM_001126106.4).
Identifiers: ClinVar variation 312821 (VCV000312821.42), dbSNP rs151261004, ClinGen allele CA7104619.